The following is an entry in ClinVar:

ClinVar aggregate classification (germline): Pathogenic. Review status: criteria provided, multiple submitters, no conflicts (2 of 4 stars). 2 submissions from 2 submitters: Pathogenic (2). Last evaluated 2025-04-16.

Conditions:
Hereditary cancer-predisposing syndrome. Also called: Tumor predisposition; Hereditary neoplastic syndrome; Neoplastic Syndromes, Hereditary; Hereditary Cancer Syndrome. Identifiers: Orphanet 140162, MedGen C0027672, MeSH D009386, MONDO:0015356.
Lynch syndrome 4 (LYNCH4). Also called: Hereditary non-polyposis colorectal cancer, type 4; Colorectal cancer, hereditary nonpolyposis, type 4. Identifiers: Orphanet 144, MedGen C1838333, MONDO:0013699, OMIM 614337. Disease mechanism: loss of function.

Submissions (2):

Ambry Genetics
Classification: Pathogenic for Hereditary cancer-predisposing syndrome. Last evaluated: 2025-04-16. Review status: criteria provided, single submitter. Criteria: Ambry Variant Classification Scheme 2023. Collection method: clinical testing. Allele origin: germline.
Comment: The c.2386dupG pathogenic mutation, located in coding exon 14 of the PMS2 gene, results from a duplication of G at nucleotide position 2386, causing a translational frameshift with a predicted alternate stop codon (p.V796Gfs*28). This alteration occurs at the 3' terminus of thePMS2 gene, is not expected to trigger nonsense-mediated mRNA decay, and impacts the last 7.8% of the protein. However, premature stop codons are typically deleterious in nature and a significant portion of the protein is affected and the impacted region is critical for protein function (Ambry internal data). This variant is considered to be rare based on population cohorts in the Genome Aggregation Database (gnomAD). Based on the supporting evidence, this variant is interpreted as a disease-causing mutation.

Myriad Genetics, Inc.
Classification: Pathogenic for Lynch syndrome 4. Last evaluated: 2023-09-22. Review status: criteria provided, single submitter. Criteria: Myriad Autosomal Dominant, Autosomal Recessive and X-Linked Classification Criteria (2023). Collection method: clinical testing. Allele origin: unknown.
Comment: This variant is considered pathogenic. This variant creates a frameshift predicted to result in premature protein truncation.

NM_000535.7(PMS2):c.2386dup (p.Val796fs)

Gene: PMS2 (PMS1 homolog 2, mismatch repair system component; minus strand). Cytogenetic location: 7p22.1.
Variant type: Duplication.
Coding change: c.2386dup on transcript NM_000535.7 (MANE Select); coding-DNA position 2386, one base duplicated (G; older notation c.2386dupG).
Protein change: p.Val796fs; shifts the reading frame from valine 796.
Molecular consequence: frameshift variant. On other transcripts: non-coding transcript variant (1).
Genome position (GRCh38, 1-based): chr7:5,977,647, C duplicated on the plus strand (G on the coding strand, the reverse complement: PMS2 is on the minus strand); the first of 4 consecutive C bases (chr7:5,977,647-5,977,650); duplicating any one gives the same sequence. VCF-style (leftmost placement, unchanged base first): chr7-5977646-A-AC. GRCh37 (hg19) VCF-style: chr7-6017277-A-AC.
Other names: c.1978dup, p.Val661Glyfs (NM_001018040.1); c.1981dup, p.Val661fs (NM_001322003.2, NM_001322004.2, NM_001322005.2 and 11 more transcripts); c.2230dup, p.Val744fs (NM_001322006.2); c.2068dup, p.Val690fs (NM_001322007.2, NM_001322008.2, NM_001406883.1); c.2014dup, p.Val672fs (NM_001322009.2, NM_001406887.1, NM_001406888.1); c.1825dup, p.Val609fs (NM_001322010.2, NM_001406906.1, NM_001406907.1); c.1453dup, p.Val485fs (NM_001322011.2, NM_001322012.2); c.1813dup, p.Val605fs (NM_001322013.2, NM_001406908.1, NM_001406909.1); and 22 more; short protein forms V395fs, V485fs, V539fs, V557fs, V605fs, V609fs, V625fs, V634fs.
Identifiers: ClinVar variation 2674229 (VCV002674229.2), dbSNP rs753030033, ClinGen allele CA2695198398.